The following is an entry in ClinVar:

NM_001256789.3(CACNA1F):c.137G>T (p.Gly46Val)

Gene: CACNA1F (calcium voltage-gated channel subunit alpha1 F; minus strand). Cytogenetic location: Xp11.23.
Variant type: single nucleotide variant.
Coding change: c.137G>T on transcript NM_001256789.3 (MANE Select); coding-DNA position 137, G replaced by T.
Protein change: p.Gly46Val; replaces glycine 46 with valine.
Molecular consequence: missense variant. On other transcripts: intron variant (1).
Genome position (GRCh38, 1-based): chrX:49,231,816, C>A on the plus strand (G>T on the coding strand, the complement: CACNA1F is on the minus strand). VCF-style: chrX-49231816-C-A. GRCh37 (hg19) VCF-style: chrX-49088278-C-A.
Other names: c.137G>T, p.Gly46Val (NM_005183.4); c.66-124G>T (NM_001256790.3); short protein forms G46V.
Identifiers: ClinVar variation 1062803 (VCV001062803.9), dbSNP rs2147926448, ClinGen allele CA412927968.
Genomic context (GRCh38, chrX:49,231,816, plus strand): 5'-TGGGCACTGGCCACTGCCACTGTCTTGTGCTTGCTGTGCTGGTTTCTTCGCTTAGGGGTC[C>A]CTAGGCCTGATGCCCCACTGCTTTCACCTTCCACAGCTGGGGGCCCGGGGCACAGCCCCC-3'
Protein context (NP_001243718.1, residues 36-56): EGESSGASGL[Gly46Val]TPKRRNQHSK

ClinVar aggregate classification (germline): Uncertain significance (1 of 4 stars; one submission).

Submission:

Labcorp Genetics (formerly Invitae), Labcorp
Classification: Uncertain significance. Last evaluated: 2022-08-09. Review status: criteria provided, single submitter. Criteria: Invitae Variant Classification Sherloc (09022015). Collection method: clinical testing. Allele origin: germline.
Comment: In summary, the available evidence is currently insufficient to determine the role of this variant in disease. Therefore, it has been classified as a Variant of Uncertain Significance. Algorithms developed to predict the effect of missense changes on protein structure and function (SIFT, PolyPhen-2, Align-GVGD) all suggest that this variant is likely to be tolerated. ClinVar contains an entry for this variant (Variation ID: 1062803). This variant has not been reported in the literature in individuals affected with CACNA1F-related conditions. This variant is not present in population databases (gnomAD no frequency). This sequence change replaces glycine, which is neutral and non-polar, with valine, which is neutral and non-polar, at codon 46 of the CACNA1F protein (p.Gly46Val).